The following is an entry in ClinVar:

ClinVar aggregate classification (germline): Uncertain significance (1 of 4 stars; one submission).

Conditions:
Medium-chain acyl-coenzyme A dehydrogenase deficiency (ACADMD). Also called: MCADH DEFICIENCY; Medium chain acyl-CoA dehydrogenase deficiency; MCAD Deficiency; CARNITINE DEFICIENCY SECONDARY TO MEDIUM-CHAIN ACYL-CoA DEHYDROGENASE DEFICIENCY; ACADM DEFICIENCY; MCADD. Identifiers: Orphanet 42, MedGen C0220710, MONDO:0008721, OMIM 201450.

gnomAD v4.1: 1 of 1,614,072 alleles (0.000062%); highest among the groups gnomAD compares: East Asian, 0.0022%; no homozygotes.

Submission:

Labcorp Genetics (formerly Invitae), Labcorp
Classification: Uncertain significance for Medium-chain acyl-coenzyme A dehydrogenase deficiency. Last evaluated: 2023-02-11. Review status: criteria provided, single submitter. Criteria: Invitae Variant Classification Sherloc (09022015). Collection method: clinical testing. Allele origin: germline.
Comment: In summary, the available evidence is currently insufficient to determine the role of this variant in disease. Therefore, it has been classified as a Variant of Uncertain Significance. Advanced modeling of protein sequence and biophysical properties (such as structural, functional, and spatial information, amino acid conservation, physicochemical variation, residue mobility, and thermodynamic stability) performed at Invitae indicates that this missense variant is not expected to disrupt ACADM protein function. This variant has not been reported in the literature in individuals affected with ACADM-related conditions. This variant is not present in population databases (gnomAD no frequency). This sequence change replaces lysine, which is basic and polar, with glutamine, which is neutral and polar, at codon 54 of the ACADM protein (p.Lys54Gln).

NM_000016.6(ACADM):c.160A>C (p.Lys54Gln)

Gene: ACADM (acyl-CoA dehydrogenase medium chain; plus strand). Cytogenetic location: 1p31.1.
Variant type: single nucleotide variant.
Coding change: c.160A>C on transcript NM_000016.6 (MANE Select); coding-DNA position 160, A replaced by C.
Protein change: p.Lys54Gln; replaces lysine 54 with glutamine.
Molecular consequence: missense variant. On other transcripts: 5 prime UTR variant (1).
Genome position (GRCh38, 1-based): chr1:75,732,685, A>C. VCF-style: chr1-75732685-A-C. GRCh37 (hg19) VCF-style: chr1-76198370-A-C.
Other names: c.172A>C, p.Lys58Gln (NM_001127328.3); c.52A>C, p.Lys18Gln (NM_001286042.2); c.160A>C, p.Lys54Gln (NM_001286043.2); c.-226A>C (NM_001286044.2); short protein forms K18Q, K58Q, K54Q.
Identifiers: ClinVar variation 2775874 (VCV002775874.3), dbSNP rs2525572190, ClinGen allele CA340809311.